The following is an entry in ClinVar:

NM_001972.4(ELANE):c.87G>C (p.Glu29Asp)

Gene: ELANE (elastase, neutrophil expressed; plus strand). Cytogenetic location: 19p13.3.
Variant type: single nucleotide variant.
Coding change: c.87G>C on transcript NM_001972.4 (MANE Select); coding-DNA position 87, G replaced by C.
Protein change: p.Glu29Asp; replaces glutamic acid 29 with aspartic acid.
Molecular consequence: missense variant.
Genome position (GRCh38, 1-based): chr19:852,895, G>C. VCF-style: chr19-852895-G-C. GRCh37 (hg19) VCF-style: chr19-852895-G-C.
Other names: short protein forms E29D.
Identifiers: ClinVar variation 4870357 (VCV004870357.1).

ClinVar aggregate classification (germline): Uncertain significance (1 of 4 stars; one submission).

Conditions:
Inborn genetic diseases. Identifiers: MedGen C0950123, MeSH D030342.

Submission:

Ambry Genetics
Classification: Uncertain significance for Inborn genetic diseases. Last evaluated: 2026-04-28. Review status: criteria provided, single submitter. Criteria: Ambry Variant Classification Scheme 2023. Collection method: clinical testing. Allele origin: germline.
Comment: The p.E29D variant (also known as c.87G>C), located in coding exon 2 of the ELANE gene, results from a G to C substitution at nucleotide position 87. The glutamic acid at codon 29 is replaced by aspartic acid, an amino acid with highly similar properties. This amino acid position is conserved. In addition, this alteration is predicted to be tolerated by in silico analysis. Based on the available evidence, the clinical significance of this variant remains unclear.